The following is an entry in ClinVar:

NM_001368894.2(PAX6):c.77G>A (p.Arg26Gln)

Gene: PAX6 (paired box 6; minus strand). Cytogenetic location: 11p13.
Variant type: single nucleotide variant.
Coding change: c.77G>A on transcript NM_001368894.2 (MANE Select); coding-DNA position 77, G replaced by A.
Protein change: p.Arg26Gln; replaces arginine 26 with glutamine.
Molecular consequence: missense variant. On other transcripts: 5 prime UTR variant (12), non-coding transcript variant (2), intron variant (2).
Genome position (GRCh38, 1-based): chr11:31,802,768, C>T on the plus strand (G>A on the coding strand, the complement: PAX6 is on the minus strand). VCF-style: chr11-31802768-C-T. GRCh37 (hg19) VCF-style: chr11-31824316-C-T.
Other names: c.77G>A, p.Arg26Gln (NM_000280.6, NM_001127612.3, NM_001368890.2 and 30 more transcripts); c.-332G>A (NM_001368899.2, NM_001368901.2, NM_001368906.2 and 1 more transcripts); c.-374G>A (NM_001368900.2, NM_001368903.2, NM_001368908.2 and 2 more transcripts); c.-663G>A (NM_001368902.2); c.-705G>A (NM_001368905.2, NM_001310160.2); c.320G>A, p.Arg107Gln (NM_001368910.2); c.80G>A, p.Arg27Gln (NM_001368911.2); c.-267-992G>A (NM_001368909.2, NM_001368904.2); and 1 more; short protein forms R26Q, R107Q, R27Q.
Identifiers: ClinVar variation 3024454 (VCV003024454.3), dbSNP rs2496299328, ClinGen allele CA379959597.
Genomic context (GRCh38, chr11:31,802,768, plus strand): 5'-AGAATTCGGGAAATGTCGCACGGCCGGGCCCCGCTGTGAGCTAGCTCTACAATCTTCTGC[C>T]GGGTGGAGTCCGGCAGTGGCCGCCCGTTGACAAAGACACCACCGAGCTGATTCACTCCGC-3'
Protein context (NP_001355823.1, residues 16-36): VNGRPLPDST[Arg26Gln]QKIVELAHSG

ClinVar aggregate classification (germline): Likely pathogenic. Review status: criteria provided, multiple submitters, no conflicts (2 of 4 stars). 3 submissions from 3 submitters: Likely pathogenic (2). 1 of the submissions does not count toward it. Last evaluated 2026-04-01.

Conditions:
Aniridia 1 (AN1). Identifiers: Orphanet 250923, MedGen C0344542, MONDO:0024507, OMIM 106210.
Coloboma, ocular, autosomal dominant (MCOPCB12). Also called: Microphthalmia/coloboma 12. Identifiers: MedGen C5886785, MONDO:0007350, OMIM 120200.

Submissions (3):

GeneDx
Classification: Likely pathogenic. Last evaluated: 2026-04-01. Review status: criteria provided, single submitter. Criteria: GeneDx Variant Classification Process June 2021. Collection method: clinical testing. Allele origin: germline.
Comment: Not observed at significant frequency in large population cohorts (gnomAD); In silico analysis supports that this missense variant has a deleterious effect on protein structure/function; This variant is associated with the following publications: (PMID: 34065151, 31700164, 35982159, 33057194)

Baylor Genetics
Classification: Likely pathogenic for Aniridia 1. Last evaluated: 2024-02-02. Review status: criteria provided, single submitter. Criteria: ACMG Guidelines, 2015. Collection method: clinical testing. Allele origin: unknown.

OMIM
Classification: Pathogenic for MICROPHTHALMIA/COLOBOMA 12. Last evaluated: 2024-03-01. Review status: no assertion criteria provided. Collection method: literature only. Allele origin: germline. Not counted in ClinVar's aggregate classification.

Literature cited by the submitters: PubMed 31700164 (cited by OMIM).